The following is an entry in ClinVar:

NM_000538.4(RFXAP):c.419C>T (p.Thr140Ile)

Genes: RFXAP (regulatory factor X associated protein; plus strand), LOC130009574 (ATAC-STARR-seq lymphoblastoid active region 7589; plus strand). Cytogenetic location: 13q13.3.
Variant type: single nucleotide variant.
Coding change: c.419C>T on transcript NM_000538.4 (MANE Select); coding-DNA position 419, C replaced by T.
Protein change: p.Thr140Ile; replaces threonine 140 with isoleucine.
Molecular consequence: missense variant.
Genome position (GRCh38, 1-based): chr13:36,819,776, C>T. VCF-style: chr13-36819776-C-T. GRCh37 (hg19) VCF-style: chr13-37393913-C-T.
Other names: short protein forms T140I.
Identifiers: ClinVar variation 1029906 (VCV001029906.1), dbSNP rs2057955904, ClinGen allele CA387855262.

ClinVar aggregate classification (germline): Uncertain significance (1 of 4 stars; one submission).

Conditions:
MHC class II deficiency. Also called: BLS, TYPE II; Bare lymphocyte syndrome 2. Identifiers: Orphanet 572, MedGen C5447452, MONDO:0008855.

Allele frequency attached by ClinVar (database versions not stated): gnomAD exomes below 0.00001.
gnomAD v4.1: 1 of 1,568,684 alleles (0.000064%); highest among the groups gnomAD compares: Middle Eastern, 0.017%; no homozygotes.

Submission:

Baylor Genetics
Classification: Uncertain significance for MHC class II deficiency 1. Last evaluated: 2020-06-10. Review status: criteria provided, single submitter. Criteria: ACMG Guidelines, 2015. Collection method: clinical testing. Allele origin: unknown. Affected: yes.
Comment: This variant was determined to be of uncertain significance according to ACMG Guidelines, 2015 [PMID:25741868].